The following is an entry in ClinVar:

NM_032043.3(BRIP1):c.2745G>A (p.Lys915=)

Gene: BRIP1 (BRCA1 interacting DNA helicase 1; minus strand). Cytogenetic location: 17q23.2.
Variant type: single nucleotide variant.
Coding change: c.2745G>A on transcript NM_032043.3 (MANE Select); coding-DNA position 2745, G replaced by A.
Protein change: p.Lys915=; no amino-acid change (lysine 915 retained).
Molecular consequence: synonymous variant.
Genome position (GRCh38, 1-based): chr17:61,685,996, C>T on the plus strand (G>A on the coding strand, the complement: BRIP1 is on the minus strand). VCF-style: chr17-61685996-C-T. GRCh37 (hg19) VCF-style: chr17-59763357-C-T.
Identifiers: ClinVar variation 2774989 (VCV002774989.4), dbSNP rs2061356129, ClinGen allele CA501335746.

ClinVar aggregate classification (germline): Benign/Likely benign. Review status: criteria provided, multiple submitters, no conflicts (2 of 4 stars). 3 submissions from 3 submitters: Benign (1); Likely benign (2). Last evaluated 2025-07-24.

Conditions:
Hereditary cancer-predisposing syndrome. Also called: Neoplastic Syndromes, Hereditary; Tumor predisposition; Hereditary Cancer Syndrome; Hereditary neoplastic syndrome. Identifiers: Orphanet 140162, MedGen C0027672, MeSH D009386, MONDO:0015356.
Familial cancer of breast. Also called: Hereditary breast cancer; BREAST CANCER, FAMILIAL; hereditary breast carcinoma. Identifiers: Orphanet 227535, MedGen C0346153, MONDO:0016419, OMIM 114480. Disease mechanism: loss of function.

Allele frequency attached by ClinVar (database versions not stated): gnomAD exomes below 0.00001.
gnomAD v4.1: 1 of 1,614,004 alleles (0.000062%); highest among the groups gnomAD compares: Non-Finnish European, 0.000085%; no homozygotes.

Submissions (3):

Ambry Genetics
Classification: Likely benign for Hereditary cancer-predisposing syndrome. Last evaluated: 2025-07-24. Review status: criteria provided, single submitter. Criteria: Ambry Variant Classification Scheme 2023. Collection method: clinical testing. Allele origin: germline.

Myriad Genetics, Inc.
Classification: Benign for Familial cancer of breast. Last evaluated: 2024-09-05. Review status: criteria provided, single submitter. Criteria: Myriad Autosomal Dominant, Autosomal Recessive and X-Linked Classification Criteria (2023). Collection method: clinical testing. Allele origin: unknown.
Comment: This variant is considered benign. This variant is a silent/synonymous amino acid change and it is not expected to impact splicing.

Color Diagnostics, LLC DBA Color Health
Classification: Likely benign for Hereditary cancer-predisposing syndrome. Last evaluated: 2023-03-03. Review status: criteria provided, single submitter. Criteria: ACMG Guidelines, 2015. Collection method: clinical testing. Allele origin: germline.